The following is an entry in ClinVar:

ClinVar aggregate classification (germline): Uncertain significance. Review status: criteria provided, multiple submitters, no conflicts (2 of 4 stars). 2 submissions from 2 submitters: Uncertain significance (2). Last evaluated 2024-05-27.

Conditions:
Aortic aneurysm, familial thoracic 4 (AAT4). Also called: AORTIC ANEURYSM/AORTIC DISSECTION AND PATENT DUCTUS ARTERIOSUS. Identifiers: MedGen C1851504, MONDO:0007568, OMIM 132900.
Familial thoracic aortic aneurysm and aortic dissection (TAAD). Also called: Thoracic aortic aneurysms and dissections. Identifiers: Orphanet 91387, MedGen C4707243, MONDO:0019625.

Allele frequency attached by ClinVar (database versions not stated): gnomAD 0.00001; gnomAD exomes 0.00001; TOPMed 0.00001; ExAC 0.00002.
gnomAD v4.1: 14 of 1,614,202 alleles (0.00087%); highest among the groups gnomAD compares: South Asian, 0.0099%; no homozygotes.

Submissions (2):

Labcorp Genetics (formerly Invitae), Labcorp
Classification: Uncertain significance for Aortic aneurysm, familial thoracic 4. Last evaluated: 2024-05-27. Review status: criteria provided, single submitter. Criteria: Invitae Variant Classification Sherloc (09022015). Collection method: clinical testing. Allele origin: germline.
Comment: This sequence change replaces glutamic acid, which is acidic and polar, with lysine, which is basic and polar, at codon 691 of the MYH11 protein (p.Glu691Lys). This variant is present in population databases (rs547459589, gnomAD 0.006%). This variant has not been reported in the literature in individuals affected with MYH11-related conditions. ClinVar contains an entry for this variant (Variation ID: 583252). Advanced modeling of protein sequence and biophysical properties (such as structural, functional, and spatial information, amino acid conservation, physicochemical variation, residue mobility, and thermodynamic stability) performed at Invitae indicates that this missense variant is not expected to disrupt MYH11 protein function with a negative predictive value of 95%. In summary, the available evidence is currently insufficient to determine the role of this variant in disease. Therefore, it has been classified as a Variant of Uncertain Significance.

Ambry Genetics
Classification: Uncertain significance for Familial thoracic aortic aneurysm and aortic dissection. Last evaluated: 2024-04-01. Review status: criteria provided, single submitter. Criteria: Ambry Variant Classification Scheme 2023. Collection method: clinical testing. Allele origin: germline.
Comment: The p.E684K variant (also known as c.2050G>A), located in coding exon 15 of the MYH11 gene, results from a G to A substitution at nucleotide position 2050. The glutamic acid at codon 684 is replaced by lysine, an amino acid with similar properties. This amino acid position is conserved. In addition, this alteration is predicted to be deleterious by in silico analysis. Based on the available evidence, the clinical significance of this alteration remains unclear.

NM_002474.3(MYH11):c.2050G>A (p.Glu684Lys)

Gene: MYH11 (myosin heavy chain 11; minus strand). Cytogenetic location: 16p13.11.
Variant type: single nucleotide variant.
Coding change: c.2050G>A on transcript NM_002474.3 (MANE Select); coding-DNA position 2050, G replaced by A.
Protein change: p.Glu684Lys; replaces glutamic acid 684 with lysine.
Molecular consequence: missense variant.
Genome position (GRCh38, 1-based): chr16:15,750,146, C>T on the plus strand (G>A on the coding strand, the complement: MYH11 is on the minus strand). VCF-style: chr16-15750146-C-T. GRCh37 (hg19) VCF-style: chr16-15844003-C-T.
Other names: c.2071G>A, p.Glu691Lys (NM_001040113.2, NM_001040114.2); c.2050G>A, p.Glu684Lys (NM_022844.3); c.2050G>A (NM_002474.2); short protein forms E691K, E684K.
Identifiers: ClinVar variation 583252 (VCV000583252.9), dbSNP rs547459589, ClinGen allele CA7922445.